The following is an entry in ClinVar:

NM_001037.5(SCN1B):c.125C>T (p.Ser42Phe)

Gene: SCN1B (sodium voltage-gated channel beta subunit 1; plus strand). Cytogenetic location: 19q13.11.
Variant type: single nucleotide variant.
Coding change: c.125C>T on transcript NM_001037.5 (MANE Select); coding-DNA position 125, C replaced by T.
Protein change: p.Ser42Phe; replaces serine 42 with phenylalanine.
Molecular consequence: missense variant.
Genome position (GRCh38, 1-based): chr19:35,032,612, C>T. VCF-style: chr19-35032612-C-T. GRCh37 (hg19) VCF-style: chr19-35523516-C-T.
Other names: c.26C>T, p.Ser9Phe (NM_001321605.2); c.125C>T, p.Ser42Phe (NM_199037.5); short protein forms S9F, S42F.
Identifiers: ClinVar variation 4736498 (VCV004736498.1).
Genomic context (GRCh38, chr19:35,032,612, plus strand): 5'-TGGAGGTGGACTCGGAGACCGAGGCCGTGTATGGGATGACCTTCAAAATTCTTTGCATCT[C>T]CTGCAAGCGCCGCAGCGAGACCAACGCTGAGACCTTCACCGAGTGGACCTTCCGCCAGAA-3'
Protein context (NP_001028.1, residues 32-52): YGMTFKILCI[Ser42Phe]CKRRSETNAE

ClinVar aggregate classification (germline): Uncertain significance (1 of 4 stars; one submission).

Conditions:
Brugada syndrome 5 (BRGDA5). Identifiers: Orphanet 130, Orphanet 871, MedGen C2748541, MONDO:0013015, OMIM 612838.

Submission:

Labcorp Genetics (formerly Invitae), Labcorp
Classification: Uncertain significance for Brugada syndrome 5. Last evaluated: 2026-01-31. Review status: criteria provided, single submitter. Criteria: Invitae Variant Classification Sherloc (09022015). Collection method: clinical testing. Allele origin: germline.
Comment: This sequence change replaces serine, which is neutral and polar, with phenylalanine, which is neutral and non-polar, at codon 42 of the SCN1B protein (p.Ser42Phe). This variant is not present in population databases (gnomAD no frequency). This variant has not been reported in the literature in individuals affected with SCN1B-related conditions. An algorithm developed to predict the effect of missense changes on protein structure and function (PolyPhen-2) suggests that this variant is likely to be disruptive. In summary, the available evidence is currently insufficient to determine the role of this variant in disease. Therefore, it has been classified as a Variant of Uncertain Significance.